The following is an entry in ClinVar:

NM_001349338.3(FOXP1):c.501delinsTGTTGTTTT (p.Gln167fs)

Gene: FOXP1 (forkhead box P1; minus strand). Cytogenetic location: 3p13.
Variant type: Indel.
Coding change: c.501delinsTGTTGTTTT on transcript NM_001349338.3 (MANE Select); coding-DNA position 501, G replaced by TGTTGTTTT.
Protein change: p.Gln167fs; shifts the reading frame from glutamine 167.
Molecular consequence: frameshift variant. On other transcripts: non-coding transcript variant (2), intron variant (1).
Genome position (GRCh38, 1-based): chr3:71,052,546, C replaced by AAAACAACA on the plus strand (G replaced by TGTTGTTTT on the coding strand, the reverse complement: FOXP1 is on the minus strand). VCF-style: chr3-71052546-C-AAAACAACA. GRCh37 (hg19) VCF-style: chr3-71101697-C-AAAACAACA.
Other names: c.283-5451delinsTGTTGTTTT (NM_001244812.3); c.501delinsTGTTGTTTT, p.Gln167fs (NM_001244816.2, NM_001349340.3, NM_032682.6 and 3 more transcripts); c.198delinsTGTTGTTTT, p.Gln66fs (NM_001349337.2, NM_001349343.3, NM_001349344.3); c.498delinsTGTTGTTTT, p.Gln166fs (NM_001349341.3); c.201delinsTGTTGTTTT, p.Gln67fs (NM_001349342.3, NM_001370548.1, NM_001244813.3 and 1 more transcripts); short protein forms Q166fs, Q167fs, Q66fs, Q67fs.
Identifiers: ClinVar variation 3387770 (VCV003387770.2).

ClinVar aggregate classification (germline): Pathogenic (1 of 4 stars; one submission).

Conditions:
Intellectual disability-severe speech delay-mild dysmorphism syndrome (IDDLA). Also called: Intellectual developmental disorder with language impairment AND with or without autistic features; FOXP1 Syndrome; Mental retardation with language impairment and autistic features. Identifiers: Orphanet 391372, MedGen C4013764, MONDO:0013352, OMIM 613670.

Submission:

Molecular Genetics Laboratory, Motol Hospital
Classification: Pathogenic for Intellectual disability-severe speech delay-mild dysmorphism syndrome. Last evaluated: 2024-12-13. Review status: criteria provided, single submitter. Criteria: ACMG Guidelines, 2015. Collection method: clinical testing. Allele origin: de novo. Affected: yes. Observed: 1 variant allele.
Comment: The variant was confirmed to be of a de novo origin. Rare truncating variants affecting the FOXP1 gene are documented as a molecular cause of "intellectual developmental disorder with language impairment with or without autistic features" (IDDLA; OMIM:613670; PMID:28884888;25853299;20950788;26647308).To conclude, the variant is classified as pathogenic (ACMG PM2, PS2, PVS1).

Literature cited by the submitters: PubMed 33892622; PubMed 28884888; PubMed 25853299; PubMed 20950788; PubMed 26647308.